The following is an entry in ClinVar:

NM_001130987.2(DYSF):c.1597del (p.Leu533fs)

Gene: DYSF (dysferlin; plus strand). Cytogenetic location: 2p13.2.
Variant type: Deletion.
Coding change: c.1597del on transcript NM_001130987.2 (MANE Select); coding-DNA position 1597, one base deleted (C; older notation c.1597delC).
Protein change: p.Leu533fs; shifts the reading frame from leucine 533.
Molecular consequence: frameshift variant.
Genome position (GRCh38, 1-based): chr2:71,551,061, C deleted; the last of 2 consecutive C bases (chr2:71,551,060-71,551,061); deleting either gives the same sequence. VCF-style (leftmost placement, unchanged base first): chr2-71551059-TC-T. GRCh37 (hg19) VCF-style: chr2-71778189-TC-T.
Other names: c.1546del, p.Leu516fs (NM_001130455.2, NM_001130983.2); c.1501del, p.Leu501fs (NM_001130976.2, NM_001130977.2); c.1543del, p.Leu515fs (NM_001130978.2, NM_003494.4); c.1636del, p.Leu546fs (NM_001130979.2); c.1594del, p.Leu532fs (NM_001130980.2, NM_001130981.2); c.1639del, p.Leu547fs (NM_001130982.2); c.1504del, p.Leu502fs (NM_001130984.2, NM_001130986.2); c.1597del, p.Leu533fs (NM_001130985.2); short protein forms L501fs, L502fs, L515fs, L516fs, L532fs, L533fs, L546fs, L547fs.
Identifiers: ClinVar variation 1724930 (VCV001724930.8), dbSNP rs2545668456, ClinGen allele CA2580067797.

ClinVar aggregate classification (germline): Pathogenic/Likely pathogenic. Review status: criteria provided, multiple submitters, no conflicts (2 of 4 stars). 2 submissions from 2 submitters: Pathogenic (1); Likely pathogenic (1). Last evaluated 2023-01-26.

Conditions:
Autosomal recessive limb-girdle muscular dystrophy. Identifiers: Orphanet 102015, MedGen C2931907, MONDO:0015152.
Neuromuscular disease caused by qualitative or quantitative defects of dysferlin. Also called: Dysferlinopathy; Qualitative or quantitative defects of dysferlin. Identifiers: Orphanet 207073, MedGen C2931687, MONDO:0016145.

Submissions (2):

Labcorp Genetics (formerly Invitae), Labcorp
Classification: Pathogenic for Neuromuscular disease caused by qualitative or quantitative defects of dysferlin. Last evaluated: 2023-01-26. Review status: criteria provided, single submitter. Criteria: Invitae Variant Classification Sherloc (09022015). Collection method: clinical testing. Allele origin: germline.
Comment: This sequence change creates a premature translational stop signal (p.Leu515Serfs*112) in the DYSF gene. It is expected to result in an absent or disrupted protein product. Loss-of-function variants in DYSF are known to be pathogenic (PMID: 17698709, 20301480). For these reasons, this variant has been classified as Pathogenic. ClinVar contains an entry for this variant (Variation ID: 1724930). This variant has not been reported in the literature in individuals affected with DYSF-related conditions. This variant is not present in population databases (gnomAD no frequency).

Myriad Genetics, Inc.
Classification: Likely pathogenic for Autosomal recessive limb-girdle muscular dystrophy. Last evaluated: 2022-03-03. Review status: criteria provided, single submitter. Criteria: Myriad Autosomal Dominant, Autosomal Recessive and X-Linked Classification Criteria (2023). Collection method: clinical testing. Allele origin: unknown.
Comment: NM_003494.3(DYSF):c.1543delC(L515Sfs*112) is expected to be pathogenic in the context of dysferlinopathy. This variant is predicted to lead to an abnormal or absent protein product due to the creation of a premature termination codon in DYSF, a gene where loss-of-function variants are known to be pathogenic. Please note: this variant was assessed in the context of healthy population screening.

Literature cited by the submitters: PubMed 17698709 (cited by Labcorp Genetics (formerly Invitae), Labcorp); PubMed 20301480 (cited by Labcorp Genetics (formerly Invitae), Labcorp).